The following is an entry in ClinVar:

ClinVar aggregate classification (germline): Likely benign (1 of 4 stars; one submission).

Conditions:
LEPR-related disorder. Also called: LEPR-related disorders; LEPR-related condition.

gnomAD v4.1: 1 of 1,613,586 alleles (0.000062%); highest among the groups gnomAD compares: Admixed American, 0.0017%; no homozygotes.

Submission:

PreventionGenetics, part of Exact Sciences
Classification: Likely benign for LEPR-related condition. Last evaluated: 2025-07-20. Review status: criteria provided, single submitter. Criteria: ACMG Guidelines, 2015. Collection method: clinical testing. Allele origin: germline.
Comment: This variant is classified as likely benign based on ACMG/AMP sequence variant interpretation guidelines (Richards et al. 2015 PMID: 25741868, with internal and published modifications).

NM_002303.6(LEPR):c.2674-7C>G

Gene: LEPR (leptin receptor; plus strand). Cytogenetic location: 1p31.3.
Variant type: single nucleotide variant.
Coding change: c.2674-7C>G on transcript NM_002303.6 (MANE Select); 7 bases into the intron before coding-DNA position 2674, C replaced by G.
Molecular consequence: intron variant.
Genome position (GRCh38, 1-based): chr1:65,636,184, C>G. VCF-style: chr1-65636184-C-G. GRCh37 (hg19) VCF-style: chr1-66101867-C-G.
Identifiers: ClinVar variation 5001631 (VCV005001631.1).
Genomic context (GRCh38, chr1:65,636,184, plus strand): 5'-CCAGTATGACATAATGAAGCAAAATTTTTTAACATAATTGAGCCTTAAAATGTGTCTTTT[C>G]TTTTAGCCAGAAACGTTTGAGCATCTTTTTATCAAGCATACAGCATCAGTGACATGTGGT-3'